The following is an entry in ClinVar:

NM_000355.4(TCN2):c.521G>A (p.Ser174Asn)

Gene: TCN2 (transcobalamin 2; plus strand). Cytogenetic location: 22q12.2.
Variant type: single nucleotide variant.
Coding change: c.521G>A on transcript NM_000355.4 (MANE Select); coding-DNA position 521, G replaced by A.
Protein change: p.Ser174Asn; replaces serine 174 with asparagine.
Molecular consequence: missense variant.
Genome position (GRCh38, 1-based): chr22:30,614,442, G>A. VCF-style: chr22-30614442-G-A. GRCh37 (hg19) VCF-style: chr22-31010429-G-A.
Other names: c.440G>A, p.Ser147Asn (NM_001184726.2); short protein forms S174N, S147N.
Identifiers: ClinVar variation 1469619 (VCV001469619.3), dbSNP rs375193056, ClinGen allele CA323232683.

ClinVar aggregate classification (germline): Uncertain significance (1 of 4 stars; one submission).

Conditions:
Transcobalamin II deficiency (TCN2D). Also called: TC II DEFICIENCY; TCN2 DEFICIENCY; Transcolabamin II deficiency. Identifiers: Orphanet 859, MedGen C0342701, MONDO:0010149, OMIM 275350.

Allele frequency attached by ClinVar (database versions not stated): gnomAD exomes below 0.00001; TOPMed 0.00003; gnomAD 0.00007 and 0.00008.
gnomAD v4.1: 13 of 1,614,076 alleles (0.00081%); highest among the groups gnomAD compares: African/African-American, 0.016%; no homozygotes.

Submission:

Labcorp Genetics (formerly Invitae), Labcorp
Classification: Uncertain significance for Transcobalamin II deficiency. Last evaluated: 2021-11-17. Review status: criteria provided, single submitter. Criteria: Invitae Variant Classification Sherloc (09022015). Collection method: clinical testing. Allele origin: germline.
Comment: This sequence change replaces serine, which is neutral and polar, with asparagine, which is neutral and polar, at codon 174 of the TCN2 protein (p.Ser174Asn). This variant is present in population databases (rs375193056, gnomAD 0.01%). This variant has not been reported in the literature in individuals affected with TCN2-related conditions. Algorithms developed to predict the effect of missense changes on protein structure and function output the following: SIFT: "Tolerated"; PolyPhen-2: "Benign"; Align-GVGD: "Class C0". The asparagine amino acid residue is found in multiple mammalian species, which suggests that this missense change does not adversely affect protein function. In summary, the available evidence is currently insufficient to determine the role of this variant in disease. Therefore, it has been classified as a Variant of Uncertain Significance.